The following is an entry in ClinVar:

NC_012920.1(MT-ATP8):m.8435A>T

Gene: MT-ATP8 (mitochondrially encoded ATP synthase 8; plus strand).
Variant type: single nucleotide variant.
Genome position: chrM-8435-A-T.
Identifiers: ClinVar variation 692857 (VCV000692857.1), dbSNP rs1603221481, ClinGen allele CA414796088.

ClinVar aggregate classification (germline): Uncertain significance (1 of 4 stars; one submission).

Conditions:
Leigh syndrome (NULS). Also called: Leigh's necrotizing encephalopathy; Leigh's disease; Leigh Syndrome (mtDNA deletion); Leigh Disease; Subacute necrotizing encephalopathy; Necrotizing encephalopathy infantile subacute of Leigh. Identifiers: Orphanet 506, MedGen C2931891, MONDO:0009723, OMIM 256000.

Submission:

Wong Mito Lab, Molecular and Human Genetics, Baylor College of Medicine
Classification: Uncertain significance for Leigh syndrome. Last evaluated: 2019-10-17. Review status: criteria provided, single submitter. Criteria: Modified ACMG Guidelines (Unpublished). Collection method: clinical testing. Allele origin: germline.
Comment: The NC_012920.1:m.8435A>T (YP_003024030.1:p.Thr24Ser) variant in MTATP8 gene is interpretated to be a Uncertain Significance variant based on the modified ACMG guidelines (unpublished). This variant meets the following evidence codes: PP6, PP7